The following is an entry in ClinVar:

ClinVar aggregate classification (germline): Uncertain significance (1 of 4 stars; one submission).

Submission:

CeGaT Center for Human Genetics Tuebingen
Classification: Uncertain significance. Last evaluated: 2025-08-01. Review status: criteria provided, single submitter. Criteria: CeGaT Center For Human Genetics Tuebingen Variant Classification Criteria Version 2. Collection method: clinical testing. Allele origin: germline. Affected: yes. Observed: 1 variant allele.
Comment: TTN: PM2, BP4

NM_001267550.2(TTN):c.10114+4G>T

Gene: TTN (titin; minus strand). Cytogenetic location: 2q31.2.
Variant type: single nucleotide variant.
Coding change: c.10114+4G>T on transcript NM_001267550.2 (MANE Select); 4 bases into the intron after coding-DNA position 10114, G replaced by T.
Molecular consequence: intron variant.
Genome position (GRCh38, 1-based): chr2:178,764,173, C>A on the plus strand (G>T on the coding strand, the complement: TTN is on the minus strand). VCF-style: chr2-178764173-C-A. GRCh37 (hg19) VCF-style: chr2-179628900-C-A.
Other names: c.9976+4G>T (NM_003319.4, NM_133437.4, NM_133432.3); c.10114+4G>T (NM_133378.4, NM_001256850.1, NM_133379.5).
Identifiers: ClinVar variation 4085853 (VCV004085853.8).